The following is an entry in ClinVar:

ClinVar aggregate classification (germline): Pathogenic (1 of 4 stars; one submission).

Conditions:
Cardiovascular phenotype. Identifiers: MedGen CN230736.

Submission:

Ambry Genetics
Classification: Pathogenic for Cardiovascular phenotype. Last evaluated: 2025-07-03. Review status: criteria provided, single submitter. Criteria: Ambry Variant Classification Scheme 2023. Collection method: clinical testing. Allele origin: germline.
Comment: The c.1295delC pathogenic mutation, located in coding exon 5 of the ALPK3 gene, results from a deletion of one nucleotide at nucleotide position 1295, causing a translational frameshift with a predicted alternate stop codon (p.A432Vfs*36). This variant is considered to be rare based on population cohorts in the Genome Aggregation Database (gnomAD). This alteration is expected to result in loss of function by premature protein truncation or nonsense-mediated mRNA decay. As such, this alteration is interpreted as a disease-causing mutation.

NM_020778.5(ALPK3):c.689del (p.Ala230fs)

Gene: ALPK3 (alpha kinase 3; plus strand). Cytogenetic location: 15q25.3.
Variant type: Deletion.
Coding change: c.689del on transcript NM_020778.5 (MANE Select); coding-DNA position 689, one base deleted (C; older notation c.689delC).
Protein change: p.Ala230fs; shifts the reading frame from alanine 230.
Molecular consequence: frameshift variant.
Genome position (GRCh38, 1-based): chr15:84,839,968, C deleted. VCF-style (leftmost placement, unchanged base first): chr15-84839967-GC-G. GRCh37 (hg19) VCF-style: chr15-85383198-GC-G.
Other names: short protein forms A230fs.
Identifiers: ClinVar variation 4088739 (VCV004088739.1).